The following is an entry in ClinVar:

ClinVar aggregate classification (germline): Uncertain significance. Review status: criteria provided, multiple submitters, no conflicts (2 of 4 stars). 3 submissions from 3 submitters: Uncertain significance (3). Last evaluated 2026-06-04.

Conditions:
COL4A6-related disorder. Also called: COL4A6-related condition.

gnomAD v4.1: 12 of 1,209,781 alleles (0.00099%); highest among the groups gnomAD compares: Middle Eastern, 0.023%; no homozygotes.

Submissions (3):

PreventionGenetics, part of Exact Sciences
Classification: Uncertain significance for COL4A6-related condition. Last evaluated: 2026-06-04. Review status: criteria provided, single submitter. Criteria: ACMG Guidelines, 2015. Collection method: clinical testing. Allele origin: germline.
Comment: The COL4A6 c.4460G>C variant is predicted to result in the amino acid substitution p.Ser1487Thr. To our knowledge, this variant has not been reported in the literature or in a large population database (gnomAD), indicating this variant is rare. At this time, the clinical significance of this variant is uncertain due to the absence of conclusive functional and genetic evidence.

Labcorp Genetics (formerly Invitae), Labcorp
Classification: Uncertain significance. Last evaluated: 2025-09-08. Review status: criteria provided, single submitter. Criteria: Invitae Variant Classification Sherloc (09022015). Collection method: clinical testing. Allele origin: germline.
Comment: This sequence change replaces serine, which is neutral and polar, with threonine, which is neutral and polar, at codon 1487 of the COL4A6 protein (p.Ser1487Thr). This variant is not present in population databases (gnomAD no frequency). This variant has not been reported in the literature in individuals affected with COL4A6-related conditions. ClinVar contains an entry for this variant (Variation ID: 3268739). Invitae Evidence Modeling of protein sequence and biophysical properties (such as structural, functional, and spatial information, amino acid conservation, physicochemical variation, residue mobility, and thermodynamic stability) indicates that this missense variant is not expected to disrupt COL4A6 protein function with a negative predictive value of 80%. In summary, the available evidence is currently insufficient to determine the role of this variant in disease. Therefore, it has been classified as a Variant of Uncertain Significance.

Ambry Genetics
Classification: Uncertain significance. Last evaluated: 2024-05-30. Review status: criteria provided, single submitter. Criteria: Ambry Variant Classification Scheme 2023. Collection method: clinical testing. Allele origin: germline.

NM_033641.4(COL4A6):c.4457G>C (p.Ser1486Thr)

Gene: COL4A6 (collagen type IV alpha 6 chain; minus strand). Cytogenetic location: Xq22.3.
Variant type: single nucleotide variant.
Coding change: c.4457G>C on transcript NM_033641.4 (MANE Select); coding-DNA position 4457, G replaced by C.
Protein change: p.Ser1486Thr; replaces serine 1486 with threonine.
Molecular consequence: missense variant.
Genome position (GRCh38, 1-based): chrX:108,160,531, C>G on the plus strand (G>C on the coding strand, the complement: COL4A6 is on the minus strand). VCF-style: chrX-108160531-C-G. GRCh37 (hg19) VCF-style: chrX-107403761-C-G.
Other names: c.4508G>C, p.Ser1503Thr (NM_001287758.2); c.4385G>C, p.Ser1462Thr (NM_001287759.2); c.4286G>C, p.Ser1429Thr (NM_001287760.2); c.4460G>C, p.Ser1487Thr (NM_001847.4); c.4460G>C (NM_001847.3); short protein forms S1487T, S1503T, S1462T, S1429T, S1486T.
Identifiers: ClinVar variation 3268739 (VCV003268739.3).